The following is an entry in ClinVar:

NM_001845.6(COL4A1):c.*1014C>T

Gene: COL4A1 (collagen type IV alpha 1 chain; minus strand). Cytogenetic location: 13q34.
Variant type: single nucleotide variant.
Coding change: c.*1014C>T on transcript NM_001845.6 (MANE Select); 1014 bases downstream of the stop codon, C replaced by T.
Molecular consequence: 3 prime UTR variant.
Genome position (GRCh38, 1-based): chr13:110,149,349, G>A on the plus strand (C>T on the coding strand, the complement: COL4A1 is on the minus strand). VCF-style: chr13-110149349-G-A. GRCh37 (hg19) VCF-style: chr13-110801696-G-A.
Identifiers: ClinVar variation 311005 (VCV000311005.8), dbSNP rs139916479, ClinGen allele CA10643710.
Genomic context (GRCh38, chr13:110,149,349, plus strand): 5'-TGTGAAAATACTGATACTGTGATTCAACAGAGCTGTTTTTCAAGCCAGGATGCAGAATGA[G>A]GAATACTAATGAAATGACGGCCTTTAAGGTTGTTGCTTTTGAAGTCAAGTCATTCAGTTT-3'

ClinVar aggregate classification (germline): Benign. Review status: criteria provided, single submitter (1 of 4 stars). 2 submissions from 1 submitter: Benign (2). Last evaluated 2018-01-13.

Conditions:
Brain small vessel disease 1 with or without ocular anomalies (BSVD1). Also called: BRAIN SMALL VESSEL DISEASE WITH HEMORRHAGE; GOULD SYNDROME 1; PORENCEPHALY, TYPE 1, AUTOSOMAL DOMINANT; Brain small vessel disease with or without ocular anomalies. Identifiers: Orphanet 2940, Orphanet 36383, Orphanet 99810, MedGen C4755307, MONDO:0008289, OMIM 175780.
Autosomal dominant familial hematuria-retinal arteriolar tortuosity-contractures syndrome. Also called: Angiopathy, hereditary, with nephropathy, aneurysms, and muscle cramps; Hereditary Angiopathy with Nephropathy, Aneurysms, and Muscle Cramps (HANAC) Syndrome. Identifiers: Orphanet 73229, MedGen C2673195, MONDO:0012726, OMIM 611773.

Allele frequency attached by ClinVar (database versions not stated): TOPMed 0.00114; gnomAD 0.00118 and 0.00121; 1000 Genomes Project 0.00140; 1000 Genomes Project 30x 0.00156.
gnomAD v4.1: 178 of 154,880 alleles (0.11%); highest among the groups gnomAD compares: African/African-American, 0.41%; no homozygotes.

Submissions (2):

Illumina Laboratory Services, Illumina
Classification: Benign for Autosomal dominant familial hematuria-retinal arteriolar tortuosity-contractures syndrome. Last evaluated: 2018-01-13. Review status: criteria provided, single submitter. Criteria: ICSL Variant Classification Criteria 13 December 2019. Collection method: clinical testing. Allele origin: germline.
Comment: This variant was observed in the ICSL laboratory as part of a predisposition screen in an ostensibly healthy population. It had not been previously curated by ICSL or reported in the Human Gene Mutation Database (HGMD: prior to June 1st, 2018), and was therefore a candidate for classification through an automated scoring system. Utilizing variant allele frequency, disease prevalence and penetrance estimates, and inheritance mode, an automated score was calculated to assess if this variant is too frequent to cause the disease. Based on the score and internal cut-off values, a variant classified as benign is not then subjected to further curation. The score for this variant resulted in a classification of benign for this disease.

Illumina Laboratory Services, Illumina
Classification: Benign for Brain small vessel disease 1 with or without ocular anomalies. Last evaluated: 2018-01-13. Review status: criteria provided, single submitter. Criteria: ICSL Variant Classification Criteria 13 December 2019. Collection method: clinical testing. Allele origin: germline.
Comment: the same text as in the submission from Illumina Laboratory Services, Illumina above.